The following is an entry in ClinVar:

NM_001349253.2(SCN11A):c.1259T>A (p.Met420Lys)

Gene: SCN11A (sodium voltage-gated channel alpha subunit 11; minus strand). Cytogenetic location: 3p22.2.
Variant type: single nucleotide variant.
Coding change: c.1259T>A on transcript NM_001349253.2 (MANE Select); coding-DNA position 1259, T replaced by A.
Protein change: p.Met420Lys; replaces methionine 420 with lysine.
Molecular consequence: missense variant.
Genome position (GRCh38, 1-based): chr3:38,909,037, A>T on the plus strand (T>A on the coding strand, the complement: SCN11A is on the minus strand). VCF-style: chr3-38909037-A-T. GRCh37 (hg19) VCF-style: chr3-38950528-A-T.
Other names: c.1259T>A, p.Met420Lys (NM_014139.3); short protein forms M420K.
Identifiers: ClinVar variation 2507122 (VCV002507122.1), dbSNP rs2065845643, ClinGen allele CA352167862.
Genomic context (GRCh38, chr3:38,909,037, plus strand): 5'-GTCTGACCCCATGTCCCTACCTCCTTTTCCTCCTTTAACAGCTGCTGGGCTTCCTGAAAC[A>T]TCTTTTCCTTGGCCTCTATCTCTGCAGCTACATTCTTGTTCTGCTCCTCATATGCCATGG-3'
Protein context (NP_001336182.1, residues 410-430): VAAEIEAKEK[Met420Lys]FQEAQQLLKE

ClinVar aggregate classification (germline): Uncertain significance (1 of 4 stars; one submission).

Submission:

GeneDx
Classification: Uncertain significance. Last evaluated: 2022-12-27. Review status: criteria provided, single submitter. Criteria: GeneDx Variant Classification Process June 2021. Collection method: clinical testing. Allele origin: germline. Affected: yes.
Comment: Not observed at significant frequency in large population cohorts (gnomAD); In silico analysis supports that this missense variant does not alter protein structure/function; Has not been previously published as pathogenic or benign to our knowledge